The following is an entry in ClinVar:

ClinVar aggregate classification (germline): Likely benign (1 of 4 stars; one submission).

Submission:

CeGaT Center for Human Genetics Tuebingen
Classification: Likely benign. Last evaluated: 2024-11-01. Review status: criteria provided, single submitter. Criteria: CeGaT Center For Human Genetics Tuebingen Variant Classification Criteria Version 2. Collection method: clinical testing. Allele origin: germline. Affected: yes. Observed: 1 variant allele.
Comment: AHNAK2: BP4, BP7

NM_138420.4(AHNAK2):c.7119T>C (p.Ala2373=)

Gene: AHNAK2 (AHNAK nucleoprotein 2; minus strand). Cytogenetic location: 14q32.33.
Variant type: single nucleotide variant.
Coding change: c.7119T>C on transcript NM_138420.4 (MANE Select); coding-DNA position 7119, T replaced by C.
Protein change: p.Ala2373=; no amino-acid change (alanine 2373 retained).
Molecular consequence: synonymous variant.
Genome position (GRCh38, 1-based): chr14:104,948,332, A>G on the plus strand (T>C on the coding strand, the complement: AHNAK2 is on the minus strand). VCF-style: chr14-104948332-A-G. GRCh37 (hg19) VCF-style: chr14-105414669-A-G.
Other names: c.6819T>C, p.Ala2273= (NM_001350929.2).
Identifiers: ClinVar variation 3388756 (VCV003388756.14).
Genomic context (GRCh38, chr14:104,948,332, plus strand): 5'-CTCCGGCACGGGGCCCTCTGGGAGTTTCACATCCACTTGGCCAGCCTGGACCTCCAGGTC[A>G]GCGGAAGGGGGCTGAACGCTGAGGTCAGTGGTCTTGAGGTCCCCCTGCATGGAGGGGAGG-3'
Protein context (NP_612429.2, residues 2363-2383): TTDLSVQPPS[Ala2373=]DLEVQAGQVD